The following is an entry in ClinVar:

NM_006147.4(IRF6):c.726C>G (p.Thr242=)

Gene: IRF6 (interferon regulatory factor 6; minus strand). Cytogenetic location: 1q32.2.
Variant type: single nucleotide variant.
Coding change: c.726C>G on transcript NM_006147.4 (MANE Select); coding-DNA position 726, C replaced by G.
Protein change: p.Thr242=; no amino-acid change (threonine 242 retained).
Molecular consequence: synonymous variant.
Genome position (GRCh38, 1-based): chr1:209,790,829, G>C on the plus strand (C>G on the coding strand, the complement: IRF6 is on the minus strand). VCF-style: chr1-209790829-G-C. GRCh37 (hg19) VCF-style: chr1-209964174-G-C.
Other names: c.441C>G, p.Thr147= (NM_001206696.2).
Identifiers: ClinVar variation 1486318 (VCV001486318.8), dbSNP rs115610019, ClinGen allele CA423143448.
Genomic context (GRCh38, chr1:209,790,829, plus strand): 5'-CTGGTCAGGCATGGGACCCAGGTCCCCATAGAAGAGTCGGCAGCCCTGAGGGTTGCTCAC[G>C]GTCATGGTCTGCCCGTACTCCTTCCCACGGTACTGAAACTTGATGTCCAGGTCAGTCACT-3'
Protein context (NP_006138.1, residues 232-252): YRGKEYGQTM[Thr242=]VSNPQGCRLF

ClinVar aggregate classification (germline): Uncertain significance (1 of 4 stars; one submission).

Conditions:
Orofacial cleft 6, susceptibility to (OFC6). Also called: CLEFT LIP WITH OR WITHOUT CLEFT PALATE, NONSYNDROMIC, 6. Identifiers: MedGen C1837213, MONDO:0012141, OMIM 608864.
Popliteal pterygium syndrome (PPS). Identifiers: Orphanet 294963, MedGen C0265259, MONDO:0017435.
Van der Woude syndrome. Identifiers: Orphanet 888, MedGen C0175697, MONDO:0019508.

gnomAD v4.1: 5 of 1,613,752 alleles (0.00031%); highest among the groups gnomAD compares: South Asian, 0.0055%; no homozygotes.

Submission:

Labcorp Genetics (formerly Invitae), Labcorp
Classification: Uncertain significance for Orofacial cleft 6, susceptibility to; Van der Woude syndrome; Popliteal pterygium syndrome. Last evaluated: 2020-11-11. Review status: criteria provided, single submitter. Criteria: Invitae Variant Classification Sherloc (09022015). Collection method: clinical testing. Allele origin: germline.
Comment: This sequence change affects codon 242 of the IRF6 mRNA. It is a 'silent' change, meaning that it does not change the encoded amino acid sequence of the IRF6 protein. This variant is not present in population databases (ExAC no frequency). This variant has not been reported in the literature in individuals with IRF6-related conditions. Algorithms developed to predict the effect of sequence changes on RNA splicing suggest that this variant may create or strengthen a splice site, but this prediction has not been confirmed by published transcriptional studies. In summary, the available evidence is currently insufficient to determine the role of this variant in disease. Therefore, it has been classified as a Variant of Uncertain Significance.